The following is an entry in ClinVar:

NM_206933.4(USH2A):c.12997C>G (p.Leu4333Val)

Gene: USH2A (usherin; minus strand). Cytogenetic location: 1q41.
Variant type: single nucleotide variant.
Coding change: c.12997C>G on transcript NM_206933.4 (MANE Select); coding-DNA position 12997, C replaced by G.
Protein change: p.Leu4333Val; replaces leucine 4333 with valine.
Molecular consequence: missense variant.
Genome position (GRCh38, 1-based): chr1:215,674,914, G>C on the plus strand (C>G on the coding strand, the complement: USH2A is on the minus strand). VCF-style: chr1-215674914-G-C. GRCh37 (hg19) VCF-style: chr1-215848256-G-C.
Other names: short protein forms L4333V.
Identifiers: ClinVar variation 198343 (VCV000198343.7), dbSNP rs770620234, ClinGen allele CA246933.

ClinVar aggregate classification (germline): Uncertain significance. Review status: criteria provided, multiple submitters, no conflicts (2 of 4 stars). 4 submissions from 3 submitters: Uncertain significance (4). Last evaluated 2023-11-04.

Conditions:
Usher syndrome type 2A. Also called: RETINAL DISEASE IN USHER SYNDROME TYPE IIA, MODIFIER OF; USHER SYNDROME, TYPE IIA. Identifiers: Orphanet 231178, Orphanet 886, MedGen C1848634, MONDO:0010169, OMIM 276901.
Retinitis pigmentosa 39 (RP39). Identifiers: Orphanet 791, MedGen C3151138, MONDO:0013436, OMIM 613809.

Allele frequency attached by ClinVar (database versions not stated): gnomAD exomes below 0.00001 and 0.00001; ExAC 0.00001; gnomAD 0.00001.
gnomAD v4.1: 10 of 1,614,056 alleles (0.00062%); highest among the groups gnomAD compares: Non-Finnish European, 0.00076%; no homozygotes.

Submissions (4):

Genome-Nilou Lab
Classification: Uncertain significance for Retinitis pigmentosa 39. Last evaluated: 2023-11-04. Review status: criteria provided, single submitter. Criteria: ACMG Guidelines, 2015. Collection method: clinical testing. Allele origin: germline. Affected: no.

Genome-Nilou Lab
Classification: Uncertain significance for Usher syndrome type 2A. Last evaluated: 2023-11-04. Review status: criteria provided, single submitter. Criteria: ACMG Guidelines, 2015. Collection method: clinical testing. Allele origin: germline. Affected: no.

Labcorp Genetics (formerly Invitae), Labcorp
Classification: Uncertain significance. Last evaluated: 2022-07-13. Review status: criteria provided, single submitter. Criteria: Invitae Variant Classification Sherloc (09022015). Collection method: clinical testing. Allele origin: germline.
Comment: This sequence change replaces leucine, which is neutral and non-polar, with valine, which is neutral and non-polar, at codon 4333 of the USH2A protein (p.Leu4333Val). This variant is not present in population databases (gnomAD no frequency). This variant has not been reported in the literature in individuals affected with USH2A-related conditions. ClinVar contains an entry for this variant (Variation ID: 198343). Algorithms developed to predict the effect of missense changes on protein structure and function output the following: SIFT: "Tolerated"; PolyPhen-2: "Benign"; Align-GVGD: "Class C0". The valine amino acid residue is found in multiple mammalian species, which suggests that this missense change does not adversely affect protein function. In summary, the available evidence is currently insufficient to determine the role of this variant in disease. Therefore, it has been classified as a Variant of Uncertain Significance.

Eurofins Ntd Llc (ga)
Classification: Uncertain significance. Last evaluated: 2014-07-22. Review status: criteria provided, single submitter. Criteria: EGL Classification Definitions 2015. Collection method: clinical testing. Allele origin: germline. Observed: 1 variant allele, 1 heterozygote.